The following is an entry in ClinVar:

ClinVar aggregate classification (germline): Uncertain significance (1 of 4 stars; one submission).

Conditions:
Diffuse cerebral and cerebellar atrophy - intractable seizures - progressive microcephaly syndrome. Also called: Microcephaly, progressive, with seizures and cerebral and cerebellar atrophy. Identifiers: Orphanet 404437, MedGen C4014239, MONDO:0014335, OMIM 615760.

Submission:

Labcorp Genetics (formerly Invitae), Labcorp
Classification: Uncertain significance for Diffuse cerebral and cerebellar atrophy - intractable seizures - progressive microcephaly syndrome. Last evaluated: 2020-01-28. Review status: criteria provided, single submitter. Criteria: Invitae Variant Classification Sherloc (09022015). Collection method: clinical testing. Allele origin: germline.
Comment: This sequence change replaces alanine with glycine at codon 36 of the QARS protein (p.Ala36Gly). The alanine residue is moderately conserved and there is a small physicochemical difference between alanine and glycine. This variant has not been reported in the literature in individuals with QARS-related conditions. Algorithms developed to predict the effect of missense changes on protein structure and function (SIFT, PolyPhen-2, Align-GVGD) all suggest that this variant is likely to be tolerated, but these predictions have not been confirmed by published functional studies and their clinical significance is uncertain. In summary, the available evidence is currently insufficient to determine the role of this variant in disease. Therefore, it has been classified as a Variant of Uncertain Significance. This variant is not present in population databases (ExAC no frequency).

NM_005051.3(QARS1):c.107C>G (p.Ala36Gly)

Genes: QARS1 (glutaminyl-tRNA synthetase 1; minus strand), LOC129936736 (ATAC-STARR-seq lymphoblastoid active region 19853; plus strand). Cytogenetic location: 3p21.31.
Variant type: single nucleotide variant.
Coding change: c.107C>G on transcript NM_005051.3 (MANE Select); coding-DNA position 107, C replaced by G.
Protein change: p.Ala36Gly; replaces alanine 36 with glycine.
Molecular consequence: missense variant. On other transcripts: non-coding transcript variant (1).
Genome position (GRCh38, 1-based): chr3:49,104,627, G>C on the plus strand (C>G on the coding strand, the complement: QARS1 is on the minus strand). VCF-style: chr3-49104627-G-C. GRCh37 (hg19) VCF-style: chr3-49142060-G-C.
Other names: c.107C>G, p.Ala36Gly (NM_001272073.2); short protein forms A36G.
Identifiers: ClinVar variation 934041 (VCV000934041.7), dbSNP rs1575404644, ClinGen allele CA352723636.